The following is an entry in ClinVar:

ClinVar aggregate classification (germline): Uncertain significance (1 of 4 stars; one submission).

Conditions:
Hereditary spastic paraplegia 31. Also called: SPASTIC PARAPLEGIA 31, AUTOSOMAL DOMINANT. Identifiers: Orphanet 101011, MedGen C1853247, MONDO:0012453, OMIM 610250.

Allele frequency attached by ClinVar (database versions not stated): gnomAD exomes below 0.00001; gnomAD 0.00001.

Submission:

Labcorp Genetics (formerly Invitae), Labcorp
Classification: Uncertain significance for Hereditary spastic paraplegia 31. Last evaluated: 2023-10-19. Review status: criteria provided, single submitter. Criteria: Invitae Variant Classification Sherloc (09022015). Collection method: clinical testing. Allele origin: germline.
Comment: This sequence change replaces alanine, which is neutral and non-polar, with valine, which is neutral and non-polar, at codon 132 of the REEP1 protein (p.Ala132Val). This variant is present in population databases (no rsID available, gnomAD 0.01%). This variant has not been reported in the literature in individuals affected with REEP1-related conditions. An algorithm developed to predict the effect of missense changes on protein structure and function (PolyPhen-2) suggests that this variant is likely to be disruptive. In summary, the available evidence is currently insufficient to determine the role of this variant in disease. Therefore, it has been classified as a Variant of Uncertain Significance.

NM_001371279.1(REEP1):c.395C>T (p.Ala132Val)

Gene: REEP1 (receptor accessory protein 1; minus strand). Cytogenetic location: 2p11.2.
Variant type: single nucleotide variant.
Coding change: c.395C>T on transcript NM_001371279.1 (MANE Select); coding-DNA position 395, C replaced by T.
Protein change: p.Ala132Val; replaces alanine 132 with valine.
Molecular consequence: missense variant. On other transcripts: intron variant (1).
Genome position (GRCh38, 1-based): chr2:86,251,979, G>A on the plus strand (C>T on the coding strand, the complement: REEP1 is on the minus strand). VCF-style: chr2-86251979-G-A. GRCh37 (hg19) VCF-style: chr2-86479102-G-A.
Other names: c.416C>T, p.Ala139Val (NM_001164730.2); c.314C>T, p.Ala105Val (NM_001164731.2); c.395C>T, p.Ala132Val (NM_001371280.1, NM_001410855.1, NM_001410856.1 and 1 more transcripts); c.182+11986C>T (NM_001164732.2); short protein forms A132V, A139V, A105V.
Identifiers: ClinVar variation 2917830 (VCV002917830.3), dbSNP rs1235877574, ClinGen allele CA347715866.